The following is an entry in ClinVar:

NM_024009.3(GJB3):c.175G>A (p.Gly59Ser)

Gene: GJB3 (gap junction protein beta 3; plus strand). Cytogenetic location: 1p34.3.
Variant type: single nucleotide variant.
Coding change: c.175G>A on transcript NM_024009.3 (MANE Select); coding-DNA position 175, G replaced by A.
Protein change: p.Gly59Ser; replaces glycine 59 with serine.
Molecular consequence: missense variant.
Genome position (GRCh38, 1-based): chr1:34,784,937, G>A. VCF-style: chr1-34784937-G-A. GRCh37 (hg19) VCF-style: chr1-35250538-G-A.
Other names: c.175G>A, p.Gly59Ser (NM_001005752.2); short protein forms G59S.
Identifiers: ClinVar variation 2498043 (VCV002498043.2), dbSNP rs1325659853, ClinGen allele CA339311603.

ClinVar aggregate classification (germline): Uncertain significance (1 of 4 stars; one submission).

Allele frequency attached by ClinVar (database versions not stated): TOPMed 0.00001; gnomAD 0.00001.

Submission:

GeneDx
Classification: Uncertain significance. Last evaluated: 2025-07-08. Review status: criteria provided, single submitter. Criteria: GeneDx Variant Classification Process June 2021. Collection method: clinical testing. Allele origin: germline.
Comment: In silico analysis supports that this missense variant has a deleterious effect on protein structure/function; Has not been previously published as pathogenic or benign to our knowledge